The following is an entry in ClinVar:

ClinVar aggregate classification (germline): Uncertain significance (1 of 4 stars; one submission).

Submission:

Labcorp Genetics (formerly Invitae), Labcorp
Classification: Uncertain significance. Last evaluated: 2024-10-31. Review status: criteria provided, single submitter. Criteria: Invitae Variant Classification Sherloc (09022015). Collection method: clinical testing. Allele origin: germline.
Comment: This sequence change replaces leucine, which is neutral and non-polar, with valine, which is neutral and non-polar, at codon 221 of the ZNF687 protein (p.Leu221Val). This variant is not present in population databases (gnomAD no frequency). This variant has not been reported in the literature in individuals affected with ZNF687-related conditions. An algorithm developed to predict the effect of missense changes on protein structure and function (PolyPhen-2) suggests that this variant is likely to be tolerated. In summary, the available evidence is currently insufficient to determine the role of this variant in disease. Therefore, it has been classified as a Variant of Uncertain Significance.

NM_020832.3(ZNF687):c.661T>G (p.Leu221Val)

Gene: ZNF687 (zinc finger protein 687; plus strand). Cytogenetic location: 1q21.3.
Variant type: single nucleotide variant.
Coding change: c.661T>G on transcript NM_020832.3 (MANE Select); coding-DNA position 661, T replaced by G.
Protein change: p.Leu221Val; replaces leucine 221 with valine.
Molecular consequence: missense variant.
Genome position (GRCh38, 1-based): chr1:151,286,952, T>G. VCF-style: chr1-151286952-T-G. GRCh37 (hg19) VCF-style: chr1-151259428-T-G.
Other names: c.661T>G, p.Leu221Val (NM_001304763.2, NM_001304764.2); short protein forms L221V.
Identifiers: ClinVar variation 3616528 (VCV003616528.2).